The following is an entry in ClinVar:

ClinVar aggregate classification (germline): Uncertain significance. Review status: criteria provided, multiple submitters, no conflicts (2 of 4 stars). 2 submissions from 2 submitters: Uncertain significance (2). Last evaluated 2025-06-14.

Conditions:
Neurofibromatosis, type 1 (NF1). Also called: Peripheral type neurofibromatosis; Neurofibromatosis, type I; NEUROFIBROMATOSIS, TYPE I, SOMATIC; VON RECKLINGHAUSEN DISEASE. Identifiers: Orphanet 636, MedGen C0027831, MONDO:0018975, OMIM 162200. Disease mechanism: loss of function.
Hereditary cancer-predisposing syndrome. Also called: Neoplastic Syndromes, Hereditary; Tumor predisposition; Hereditary neoplastic syndrome; Hereditary Cancer Syndrome. Identifiers: Orphanet 140162, MedGen C0027672, MeSH D009386, MONDO:0015356.
Cardiovascular phenotype. Identifiers: MedGen CN230736.

Submissions (2):

Labcorp Genetics (formerly Invitae), Labcorp
Classification: Uncertain significance for Neurofibromatosis, type 1. Last evaluated: 2025-06-14. Review status: criteria provided, single submitter. Criteria: Invitae Variant Classification Sherloc (09022015). Collection method: clinical testing. Allele origin: germline.
Comment: This sequence change replaces serine, which is neutral and polar, with arginine, which is basic and polar, at codon 1978 of the NF1 protein (p.Ser1978Arg). This variant is not present in population databases (gnomAD no frequency). This variant has not been reported in the literature in individuals affected with NF1-related conditions. ClinVar contains an entry for this variant (Variation ID: 1923494). Invitae Evidence Modeling of protein sequence and biophysical properties (such as structural, functional, and spatial information, amino acid conservation, physicochemical variation, residue mobility, and thermodynamic stability) indicates that this missense variant is expected to disrupt NF1 protein function with a positive predictive value of 95%. In summary, the available evidence is currently insufficient to determine the role of this variant in disease. Therefore, it has been classified as a Variant of Uncertain Significance.

Ambry Genetics
Classification: Uncertain significance for Cardiovascular phenotype; Hereditary cancer-predisposing syndrome. Last evaluated: 2024-09-24. Review status: criteria provided, single submitter. Criteria: Ambry Variant Classification Scheme 2023. Collection method: clinical testing. Allele origin: germline.
Comment: The p.S1978R variant (also known as c.5934C>G), located in coding exon 39 of the NF1 gene, results from a C to G substitution at nucleotide position 5934. The serine at codon 1978 is replaced by arginine, an amino acid with dissimilar properties. This amino acid position is conserved. In addition, this alteration is predicted to be deleterious by in silico analysis. Based on the available evidence, the clinical significance of this variant remains unclear.

NM_001042492.3(NF1):c.5997C>G (p.Ser1999Arg)

Gene: NF1 (neurofibromin 1; plus strand). Cytogenetic location: 17q11.2.
Variant type: single nucleotide variant.
Coding change: c.5997C>G on transcript NM_001042492.3 (MANE Select); coding-DNA position 5997, C replaced by G.
Protein change: p.Ser1999Arg; replaces serine 1999 with arginine.
Molecular consequence: missense variant.
Genome position (GRCh38, 1-based): chr17:31,335,022, C>G. VCF-style: chr17-31335022-C-G. GRCh37 (hg19) VCF-style: chr17-29662040-C-G.
Other names: c.5934C>G, p.Ser1978Arg (NM_000267.4); short protein forms S1978R, S1999R.
Identifiers: ClinVar variation 1923494 (VCV001923494.6), dbSNP rs2069608865, ClinGen allele CA399010962.